The following is an entry in ClinVar:

ClinVar aggregate classification (germline): Uncertain significance (1 of 4 stars; one submission).

Conditions:
Retinitis pigmentosa 39 (RP39). Identifiers: Orphanet 791, MedGen C3151138, MONDO:0013436, OMIM 613809.

Allele frequency attached by ClinVar (database versions not stated): gnomAD exomes below 0.00001; ExAC 0.00001.
gnomAD v4.1: 1 of 1,610,800 alleles (0.000062%); highest among the groups gnomAD compares: Non-Finnish European, 0.000085%; no homozygotes.

Submission:

Ocular Genomics Institute, Massachusetts Eye and Ear
Classification: Uncertain significance for Retinitis pigmentosa 39. Last evaluated: 2021-04-08. Review status: criteria provided, single submitter. Criteria: ACMG Guidelines, 2015. Collection method: research. Allele origin: germline. Affected: yes.
Comment: Through a review of available evidence we were able to apply the following criteria: PM2. Based on this evidence we have classified this variant as Variant of Uncertain Significance.

NM_206933.4(USH2A):c.5298+3A>G

Genes: USH2A (usherin; minus strand), USH2A-AS2 (USH2A antisense RNA 2; plus strand). Cytogenetic location: 1q41.
Variant type: single nucleotide variant.
Coding change: c.5298+3A>G on transcript NM_206933.4 (MANE Select); 3 bases into the intron after coding-DNA position 5298, A replaced by G.
Molecular consequence: intron variant.
Genome position (GRCh38, 1-based): chr1:216,083,453, T>C on the plus strand (A>G on the coding strand, the complement: USH2A is on the minus strand). VCF-style: chr1-216083453-T-C. GRCh37 (hg19) VCF-style: chr1-216256795-T-C.
Identifiers: ClinVar variation 1065747 (VCV001065747.1), dbSNP rs775992706, ClinGen allele CA1395487.